The following is an entry in ClinVar:

NM_000350.3(ABCA4):c.6211T>A (p.Tyr2071Asn)

Gene: ABCA4 (ATP binding cassette subfamily A member 4; minus strand). Cytogenetic location: 1p22.1.
Variant type: single nucleotide variant.
Coding change: c.6211T>A on transcript NM_000350.3 (MANE Select); coding-DNA position 6211, T replaced by A.
Protein change: p.Tyr2071Asn; replaces tyrosine 2071 with asparagine.
Molecular consequence: missense variant.
Genome position (GRCh38, 1-based): chr1:94,001,929, A>T on the plus strand (T>A on the coding strand, the complement: ABCA4 is on the minus strand). VCF-style: chr1-94001929-A-T. GRCh37 (hg19) VCF-style: chr1-94467485-A-T.
Other names: c.5989T>A, p.Tyr1997Asn (NM_001425324.1); short protein forms Y2071N, Y1997N.
Identifiers: ClinVar variation 1037733 (VCV001037733.8), dbSNP rs1659197227, ClinGen allele CA341278274.

ClinVar aggregate classification (germline): Uncertain significance (1 of 4 stars; one submission).

Submission:

Labcorp Genetics (formerly Invitae), Labcorp
Classification: Uncertain significance. Last evaluated: 2020-06-23. Review status: criteria provided, single submitter. Criteria: Invitae Variant Classification Sherloc (09022015). Collection method: clinical testing. Allele origin: germline.
Comment: In summary, the available evidence is currently insufficient to determine the role of this variant in disease. Therefore, it has been classified as a Variant of Uncertain Significance. Algorithms developed to predict the effect of missense changes on protein structure and function (SIFT, PolyPhen-2, Align-GVGD) all suggest that this variant is likely to be disruptive, but these predictions have not been confirmed by published functional studies and their clinical significance is uncertain. This variant has not been reported in the literature in individuals with ABCA4-related conditions. This variant is not present in population databases (ExAC no frequency). This sequence change replaces tyrosine with asparagine at codon 2071 of the ABCA4 protein (p.Tyr2071Asn). The tyrosine residue is highly conserved and there is a large physicochemical difference between tyrosine and asparagine.